The following is an entry in ClinVar:

NM_001375524.1(TRRAP):c.9629C>T (p.Thr3210Ile)

Gene: TRRAP (transformation/transcription domain associated protein; plus strand). Cytogenetic location: 7q22.1.
Variant type: single nucleotide variant.
Coding change: c.9629C>T on transcript NM_001375524.1 (MANE Select); coding-DNA position 9629, C replaced by T.
Protein change: p.Thr3210Ile; replaces threonine 3210 with isoleucine.
Molecular consequence: missense variant.
Genome position (GRCh38, 1-based): chr7:98,990,492, C>T. VCF-style: chr7-98990492-C-T. GRCh37 (hg19) VCF-style: chr7-98588115-C-T.
Other names: c.9641C>T (NM_001244580.1); c.9554C>T (NM_003496.3); c.9641C>T, p.Thr3214Ile (NM_001244580.2); c.9554C>T, p.Thr3185Ile (NM_003496.4); short protein forms T3185I, T3210I, T3214I.
Identifiers: ClinVar variation 1969081 (VCV001969081.9), dbSNP rs1360401833, ClinGen allele CA368325368.

ClinVar aggregate classification (germline): Conflicting classifications of pathogenicity. Review status: criteria provided, conflicting classifications (1 of 4 stars). 3 submissions from 3 submitters: Uncertain significance (2); Benign (1). Last evaluated 2026-07-03.

Conditions:
Inborn genetic diseases. Identifiers: MedGen C0950123, MeSH D030342.

Allele frequency attached by ClinVar (database versions not stated): gnomAD exomes below 0.00001; TOPMed 0.00002; gnomAD 0.00001.
gnomAD v4.1: 3 of 1,613,862 alleles (0.00019%); highest among the groups gnomAD compares: Non-Finnish European, 0.00025%; no homozygotes.

Submissions (3):

Ambry Genetics
Classification: Uncertain significance for Inborn genetic diseases. Last evaluated: 2026-07-03. Review status: criteria provided, single submitter. Criteria: Ambry Variant Classification Scheme 2023. Collection method: clinical testing. Allele origin: germline.
Comment: The c.9641C>T (p.T3214I) alteration is located in exon 63 (coding exon 62) of the TRRAP gene. This alteration results from a C to T substitution at nucleotide position 9641, causing the threonine (T) at amino acid position 3214 to be replaced by an isoleucine (I). Based on data from gnomAD, the T allele has an overall frequency of <0.001% (1/251460) total alleles studied. The highest observed frequency was 0.001% (1/113742) of European (non-Finnish) alleles. Based on insufficient or conflicting evidence, the clinical significance of this alteration remains unclear.

Labcorp Genetics (formerly Invitae), Labcorp
Classification: Benign. Last evaluated: 2024-10-17. Review status: criteria provided, single submitter. Criteria: Invitae Variant Classification Sherloc (09022015). Collection method: clinical testing. Allele origin: germline.

Revvity Omics, Revvity
Classification: Uncertain significance. Last evaluated: 2020-04-30. Review status: criteria provided, single submitter. Criteria: ACMG Guidelines, 2015. Collection method: clinical testing. Allele origin: germline.